The following is an entry in ClinVar:

NM_001042492.3(NF1):c.2631_2633del (p.Met877del)

Gene: NF1 (neurofibromin 1; plus strand). Cytogenetic location: 17q11.2.
Variant type: Deletion.
Coding change: c.2631_2633del on transcript NM_001042492.3 (MANE Select); coding-DNA positions 2631 to 2633, 3 bases deleted (GAT; older notation c.2631_2633delGAT).
Protein change: p.Met877del; deletes methionine 877.
Molecular consequence: inframe deletion. On other transcripts: inframe indel (1).
Genome position (GRCh38, 1-based): chr17:31,229,246-31,229,248, GAT deleted; deleting any 3 consecutive bases within chr17:31,229,244-31,229,248 gives the same sequence; the c. name uses the placement nearest the transcript's 3' end. VCF-style (leftmost placement, unchanged base first): chr17-31229243-TATG-T. GRCh37 (hg19) VCF-style: chr17-29556261-TATG-T.
Other names: c.2631_2633delGAT, p.Met877del (NM_000267.3); c.2631_2633del, p.Met877del (NM_000267.4); short protein forms M877del.
Identifiers: ClinVar variation 5037071 (VCV005037071.1).
Genomic context (GRCh38, chr17:31,229,243, plus strand): 5'-CAATTCTGGCCTGGCAACCTATAGCCCACCCATGGGTCCAGTCAGTGAACGTAAGGGTTC[TATG>T]ATTTCAGTGATGTCTTCAGAGGGAAACGCAGATACACCTGTCAGCAAATTTATGGATCGG-3'

ClinVar aggregate classification (germline): Uncertain significance (1 of 4 stars; one submission).

Submission:

GeneDx
Classification: Uncertain significance. Last evaluated: 2026-04-14. Review status: criteria provided, single submitter. Criteria: GeneDx Variant Classification Process June 2021. Collection method: clinical testing. Allele origin: germline.
Comment: Not observed at significant frequency in large population cohorts (gnomAD); In silico analysis supports a deleterious effect on protein structure/function; In-frame deletion of 1 amino acid(s) with an unclear effect on protein function; Has not been previously published as pathogenic or benign to our knowledge; This variant is associated with the following publications: (PMID: 25486365, 2121369)